The following is an entry in ClinVar:

ClinVar aggregate classification (germline): Pathogenic. Review status: criteria provided, multiple submitters, no conflicts (2 of 4 stars). 3 submissions from 3 submitters: Pathogenic (3). Last evaluated 2025-08-06.

Conditions:
Hereditary hemorrhagic telangiectasia (HHT). Also called: ORW DISEASE; Osler Weber Rendu syndrome; OSLER-RENDU-WEBER DISEASE; Osler hemorrhagic telangiectasia syndrome. Identifiers: Orphanet 774, MedGen C0039445, MONDO:0019180. Disease mechanism: loss of function.
Telangiectasia, hereditary hemorrhagic, type 1 (HHT1). Also called: Osler Weber Rendu syndrome type 1; ENG-Related Hereditary Hemorrhagic Telangiectasia. Identifiers: Orphanet 774, MedGen C4551861, MONDO:0008535, OMIM 187300. Disease mechanism: loss of function.

Submissions (3):

Labcorp Genetics (formerly Invitae), Labcorp
Classification: Pathogenic for Hereditary hemorrhagic telangiectasia. Last evaluated: 2025-08-06. Review status: criteria provided, single submitter. Criteria: Invitae Variant Classification Sherloc (09022015). Collection method: clinical testing. Allele origin: germline.
Comment: This sequence change creates a premature translational stop signal (p.Glu239*) in the ENG gene. It is expected to result in an absent or disrupted protein product. Loss-of-function variants in ENG are known to be pathogenic (PMID: 15879500). This variant is not present in population databases (gnomAD no frequency). This premature translational stop signal has been observed in individual(s) with hereditary hemorrhagic telangiectasia (HHT) (PMID: 15712271). ClinVar contains an entry for this variant (Variation ID: 419982). For these reasons, this variant has been classified as Pathogenic.

Fulgent Genetics
Classification: Pathogenic for Telangiectasia, hereditary hemorrhagic, type 1. Last evaluated: 2022-03-16. Review status: criteria provided, single submitter. Criteria: ACMG Guidelines, 2015. Collection method: clinical testing. Allele origin: unknown.

GeneDx
Classification: Pathogenic. Last evaluated: 2018-03-07. Review status: criteria provided, single submitter. Criteria: GeneDx Variant Classification (06012015). Collection method: clinical testing. Allele origin: germline. Affected: yes.
Comment: The c.715 G>T variant in the ENG gene has been reported in one proband and three first degree relatives with HHT, and their clinical presentations included epistaxis, telangiectases, and pulmonary arteriovenous malformations (Abdalla et al., 2005). The c.715 G>T is predicted to cause loss of normal protein function either by protein truncation or nonsense-mediated mRNA decay. Other nonsense variants in the ENG gene have been reported in Human Gene Mutation Database in association with HHT (Stenson et al., 2014). Furthermore, the c.715 G>T variant is not observed in large population cohorts (Lek et al., 2016; 1000 Genomes Consortium et al., 2015; Exome Variant Server).

Literature cited by the submitters: PubMed 15879500 (cited by Labcorp Genetics (formerly Invitae), Labcorp); PubMed 15712271 (cited by Labcorp Genetics (formerly Invitae), Labcorp).

NM_001114753.3(ENG):c.715G>T (p.Glu239Ter)

Gene: ENG (endoglin; minus strand). Cytogenetic location: 9q34.11.
Variant type: single nucleotide variant.
Coding change: c.715G>T on transcript NM_001114753.3 (MANE Select); coding-DNA position 715, G replaced by T.
Protein change: p.Glu239Ter; replaces glutamic acid 239 with a stop codon.
Molecular consequence: nonsense.
Genome position (GRCh38, 1-based): chr9:127,825,332, C>A on the plus strand (G>T on the coding strand, the complement: ENG is on the minus strand). VCF-style: chr9-127825332-C-A. GRCh37 (hg19) VCF-style: chr9-130587611-C-A.
Other names: c.715G>T, p.Glu239Ter (NM_000118.4, NM_001406715.1); c.169G>T, p.Glu57Ter (NM_001278138.2); short protein forms E239*, E57*.
Identifiers: ClinVar variation 419982 (VCV000419982.14), dbSNP rs1064794220, ClinGen allele CA16618750.